The following is an entry in ClinVar:

ClinVar aggregate classification (germline): Uncertain significance (1 of 4 stars; one submission).

Conditions:
SCN4A-related disorder. Also called: SCN4A-related disorders.

Submission:

PreventionGenetics, part of Exact Sciences
Classification: Uncertain significance for SCN4A-related condition. Last evaluated: 2023-04-05. Review status: criteria provided, single submitter. Criteria: ACMG Guidelines, 2015. Collection method: clinical testing. Allele origin: germline.
Comment: The SCN4A c.2731C>A variant is predicted to result in the amino acid substitution p.His911Asn. To our knowledge, this variant has not been reported in the literature or in a large population database, indicating this variant is rare. At this time, the clinical significance of this variant is uncertain due to the absence of conclusive functional and genetic evidence.

NM_000334.4(SCN4A):c.2731C>A (p.His911Asn)

Genes: GH-LCR (growth hormone locus control region; plus strand), SCN4A (sodium voltage-gated channel alpha subunit 4; minus strand). Cytogenetic location: 17q23.3.
Variant type: single nucleotide variant.
Coding change: c.2731C>A on transcript NM_000334.4 (MANE Select); coding-DNA position 2731, C replaced by A.
Protein change: p.His911Asn; replaces histidine 911 with asparagine.
Molecular consequence: missense variant.
Genome position (GRCh38, 1-based): chr17:63,951,546, G>T on the plus strand (C>A on the coding strand, the complement: SCN4A is on the minus strand). VCF-style: chr17-63951546-G-T. GRCh37 (hg19) VCF-style: chr17-62028906-G-T.
Other names: short protein forms H911N.
Identifiers: ClinVar variation 2633629 (VCV002633629.1), dbSNP rs752200039, ClinGen allele CA400625368.